The following is an entry in ClinVar:

ClinVar aggregate classification (germline): Uncertain significance. Review status: criteria provided, multiple submitters, no conflicts (2 of 4 stars). 2 submissions from 2 submitters: Uncertain significance (2). Last evaluated 2025-07-23.

Allele frequency attached by ClinVar (database versions not stated): ExAC 0.00002; gnomAD exomes 0.00002; gnomAD 0.00005; TOPMed 0.00008.
gnomAD v4.1: 35 of 1,613,846 alleles (0.0022%); highest among the groups gnomAD compares: African/African-American, 0.011%; no homozygotes.

Submissions (2):

Labcorp Genetics (formerly Invitae), Labcorp
Classification: Uncertain significance. Last evaluated: 2025-07-23. Review status: criteria provided, single submitter. Criteria: Invitae Variant Classification Sherloc (09022015). Collection method: clinical testing. Allele origin: germline.
Comment: This sequence change replaces glycine, which is neutral and non-polar, with arginine, which is basic and polar, at codon 241 of the DSCAML1 protein (p.Gly241Arg). This variant is present in population databases (rs777256274, gnomAD 0.02%). This variant has not been reported in the literature in individuals affected with DSCAML1-related conditions. ClinVar contains an entry for this variant (Variation ID: 1895833). An algorithm developed to predict the effect of missense changes on protein structure and function (PolyPhen-2) suggests that this variant is likely to be disruptive. In summary, the available evidence is currently insufficient to determine the role of this variant in disease. Therefore, it has been classified as a Variant of Uncertain Significance.

Ambry Genetics
Classification: Uncertain significance. Last evaluated: 2021-08-18. Review status: criteria provided, single submitter. Criteria: Ambry Variant Classification Scheme 2023. Collection method: clinical testing. Allele origin: germline.

NM_020693.4(DSCAML1):c.541G>A (p.Gly181Arg)

Gene: DSCAML1 (DS cell adhesion molecule like 1; minus strand). Cytogenetic location: 11q23.3.
Variant type: single nucleotide variant.
Coding change: c.541G>A on transcript NM_020693.4 (MANE Select); coding-DNA position 541, G replaced by A.
Protein change: p.Gly181Arg; replaces glycine 181 with arginine.
Molecular consequence: missense variant.
Genome position (GRCh38, 1-based): chr11:117,532,493, C>T on the plus strand (G>A on the coding strand, the complement: DSCAML1 is on the minus strand). VCF-style: chr11-117532493-C-T. GRCh37 (hg19) VCF-style: chr11-117403208-C-T.
Other names: c.541G>A, p.Gly181Arg (NM_001367904.1); c.133G>A, p.Gly45Arg (NM_001367905.1); short protein forms G45R, G181R.
Identifiers: ClinVar variation 1895833 (VCV001895833.6), dbSNP rs777256274, ClinGen allele CA6297520.
Genomic context (GRCh38, chr11:117,532,493, plus strand): 5'-TGGTGATGCAGCGATAGGTGGAGAGGGCGTCCTCCTTCTGTACGTCAGAGATGTACAGCC[C>T]GCCGTGGTAGGTAATAAAAAACCTGTGTTCTGGAGACACAATCAGGACATAGTTCGTTAC-3'
Protein context (NP_065744.3, residues 171-191): EHRFFITYHG[Gly181Arg]LYISDVQKED